The following is an entry in ClinVar:

NM_138459.5(NUS1):c.601G>A (p.Val201Ile)

Gene: NUS1 (NUS1 dehydrodolichyl diphosphate synthase subunit; plus strand). Cytogenetic location: 6q22.1.
Variant type: single nucleotide variant.
Coding change: c.601G>A on transcript NM_138459.5 (MANE Select); coding-DNA position 601, G replaced by A.
Protein change: p.Val201Ile; replaces valine 201 with isoleucine.
Molecular consequence: missense variant.
Genome position (GRCh38, 1-based): chr6:117,694,090, G>A. VCF-style: chr6-117694090-G-A. GRCh37 (hg19) VCF-style: chr6-118015253-G-A.
Other names: c.601G>A (NM_138459.3); short protein forms V201I.
Identifiers: ClinVar variation 1502064 (VCV001502064.7), dbSNP rs1238998019, ClinGen allele CA365537029.

ClinVar aggregate classification (germline): Uncertain significance. Review status: criteria provided, multiple submitters, no conflicts (2 of 4 stars). 2 submissions from 2 submitters: Uncertain significance (2). Last evaluated 2025-08-19.

Conditions:
Inborn genetic diseases. Identifiers: MedGen C0950123, MeSH D030342.
Congenital disorder of glycosylation, type Iaa. Also called: Congenital disorder of glycosylation, type 1aa. Identifiers: MedGen C4310727, MONDO:0014904, OMIM 617082.

Allele frequency attached by ClinVar (database versions not stated): TOPMed below 0.00001; gnomAD exomes 0.00001.
gnomAD v4.1: 6 of 1,612,866 alleles (0.00037%); highest among the groups gnomAD compares: Admixed American, 0.005%; no homozygotes.

Submissions (2):

Ambry Genetics
Classification: Uncertain significance for Inborn genetic diseases. Last evaluated: 2025-08-19. Review status: criteria provided, single submitter. Criteria: Ambry Variant Classification Scheme 2023. Collection method: clinical testing. Allele origin: germline.

Labcorp Genetics (formerly Invitae), Labcorp
Classification: Uncertain significance for Congenital disorder of glycosylation, type Iaa. Last evaluated: 2023-12-01. Review status: criteria provided, single submitter. Criteria: Invitae Variant Classification Sherloc (09022015). Collection method: clinical testing. Allele origin: germline.
Comment: This sequence change replaces valine, which is neutral and non-polar, with isoleucine, which is neutral and non-polar, at codon 201 of the NUS1 protein (p.Val201Ile). This variant is present in population databases (no rsID available, gnomAD 0.009%). This variant has not been reported in the literature in individuals affected with NUS1-related conditions. ClinVar contains an entry for this variant (Variation ID: 1502064). An algorithm developed to predict the effect of missense changes on protein structure and function (PolyPhen-2) suggests that this variant is likely to be disruptive. In summary, the available evidence is currently insufficient to determine the role of this variant in disease. Therefore, it has been classified as a Variant of Uncertain Significance.